The following is an entry in ClinVar:

NM_025114.4(CEP290):c.2189C>G (p.Ser730Ter)

Gene: CEP290 (centrosomal protein 290; minus strand). Cytogenetic location: 12q21.32.
Variant type: single nucleotide variant.
Coding change: c.2189C>G on transcript NM_025114.4 (MANE Select); coding-DNA position 2189, C replaced by G.
Protein change: p.Ser730Ter; replaces serine 730 with a stop codon.
Molecular consequence: nonsense.
Genome position (GRCh38, 1-based): chr12:88,111,722, G>C on the plus strand (C>G on the coding strand, the complement: CEP290 is on the minus strand). VCF-style: chr12-88111722-G-C. GRCh37 (hg19) VCF-style: chr12-88505499-G-C.
Other names: short protein forms S730*.
Identifiers: ClinVar variation 5014059 (VCV005014059.1).

ClinVar aggregate classification (germline): Pathogenic (1 of 4 stars; one submission).

Conditions:
CEP290-related ciliopathy. Also called: CEP290 ciliopathy. Identifiers: MedGen CN305601, MONDO:0100451.

Submission:

Myriad Genetics, Inc.
Classification: Pathogenic for CEP290-related ciliopathy. Last evaluated: 2025-02-05. Review status: criteria provided, single submitter. Criteria: Myriad Autosomal Dominant, Autosomal Recessive and X-Linked Classification Criteria (2023). Collection method: clinical testing. Allele origin: unknown.
Comment: NM_025114.3(CEP290):c.2189C>G(S730*) is expected to be pathogenic in the context of CEP290-related disorders. This variant is predicted to lead to an abnormal or absent protein product due to the creation of a premature termination codon in CEP290, a gene where loss-of-function variants are known to be pathogenic. Please note: this variant was assessed in the context of healthy population screening.